The following is an entry in ClinVar:

ClinVar aggregate classification (germline): Pathogenic (1 of 4 stars; one submission).

Submission:

GeneDx
Classification: Pathogenic. Last evaluated: 2023-11-15. Review status: criteria provided, single submitter. Criteria: GeneDx Variant Classification Process June 2021. Collection method: clinical testing. Allele origin: germline. Affected: yes.
Comment: Canonical splice site variant predicted to result in an in-frame loss of the adjacent exon in a gene for which loss of function is a known mechanism of disease; Not observed at significant frequency in large population cohorts (gnomAD); Has not been previously published as pathogenic or benign to our knowledge

NM_016333.4(SRRM2):c.657-1G>C

Gene: SRRM2 (serine/arginine repetitive matrix 2; plus strand). Cytogenetic location: 16p13.3.
Variant type: single nucleotide variant.
Coding change: c.657-1G>C on transcript NM_016333.4 (MANE Select); the canonical splice acceptor site of the intron before coding-DNA position 657, G replaced by C.
Molecular consequence: splice acceptor variant.
Genome position (GRCh38, 1-based): chr16:2,759,139, G>C. VCF-style: chr16-2759139-G-C. GRCh37 (hg19) VCF-style: chr16-2809140-G-C.
Identifiers: ClinVar variation 3342659 (VCV003342659.1).